The following is an entry in ClinVar:

ClinVar aggregate classification (germline): Conflicting classifications of pathogenicity. Review status: criteria provided, conflicting classifications (1 of 4 stars). 3 submissions from 3 submitters: Uncertain significance (2); Likely benign (1). Last evaluated 2026-09-08.

Conditions:
Fabry disease. Also called: Fabry's disease; ALPHA-GALACTOSIDASE A DEFICIENCY; ANDERSON-FABRY DISEASE; CERAMIDE TRIHEXOSIDASE DEFICIENCY; GLA DEFICIENCY; HEREDITARY DYSTOPIC LIPIDOSIS. Identifiers: Orphanet 324, MedGen C0002986, MONDO:0010526, OMIM 301500, HP:0001071. Disease mechanism: Fabry disease is due to inactivating mutations in the X-linked GLA gene resulting in deficiency of the enzyme Alpha Galactosidase-A., loss of function.

Allele frequency attached by ClinVar (database versions not stated): gnomAD exomes below 0.00001; TOPMed below 0.00001; ExAC 0.00001.
gnomAD v4.1: 3 of 1,208,750 alleles (0.00025%); highest among the groups gnomAD compares: Admixed American, 0.0065%; no homozygotes.

Submissions (3):

Genomenon, Inc
Classification: Uncertain significance for Fabry disease. Last evaluated: 2026-09-08. Review status: criteria provided, single submitter. Criteria: Genomenon Sequence Variant Interpretation Standards - Updated. Collection method: curation. Allele origin: germline. Affected: no.
Comment: GLA p.Gly334Glu (c.1001G>A) is a missense variant that changes the amino acid at codon 334 from Glycine to Glutamic acid. This variant has been reported in the published literature (PMID:32995357;31036492;27657681). It is absent or not present at a significant frequency in gnomAD. In silico models predict that this variant is not damaging. In conclusion, we classify GLA p.Gly334Glu (c.1001G>A) as a variant of uncertain significance.

Color Diagnostics, LLC DBA Color Health
Classification: Likely benign for Fabry disease. Last evaluated: 2025-07-10. Review status: criteria provided, single submitter. Criteria: ACMG Guidelines, 2015. Collection method: clinical testing. Allele origin: germline.

All of Us Research Program, National Institutes of Health
Classification: Uncertain significance for Fabry disease. Last evaluated: 2023-10-06. Review status: criteria provided, single submitter. Criteria: ACMG Guidelines, 2015. Collection method: clinical testing. Allele origin: germline. Inheritance: X-linked inheritance. Observed: 1 variant allele, 1 hemizygote.
Comment: This missense variant replaces glycine with glutamic acid at codon 334 of the GLA protein. Computational prediction suggests that this variant may not impact protein structure and function (internally defined REVEL score threshold <= 0.5, PMID: 27666373). To our knowledge, functional studies have not been reported for this variant. This variant has not been reported in individuals affected with cardiovascular disorders in the literature. This variant has been identified in 4/182324 chromosomes in the general population by the Genome Aggregation Database (gnomAD). The available evidence is insufficient to determine the role of this variant in disease conclusively. Therefore, this variant is classified as a Variant of Uncertain Significance.

This study involves interpretation of variants in research participants for the purpose of population health screening. Participant phenotype was not available at the time of variant classification. Additional details can be found in publication PMID: 35346344, PMCID: PMC8962531

Literature cited by the submitters: PubMed 32995357 (cited by Genomenon, Inc); PubMed 31036492 (cited by Genomenon, Inc); PubMed 27657681 (cited by Genomenon, Inc).

NM_000169.3(GLA):c.1001G>A (p.Gly334Glu)

Genes: GLA (galactosidase alpha; minus strand), RPL36A-HNRNPH2 (RPL36A-HNRNPH2 readthrough; plus strand). Cytogenetic location: Xq22.1.
Variant type: single nucleotide variant.
Coding change: c.1001G>A on transcript NM_000169.3 (MANE Select); coding-DNA position 1001, G replaced by A.
Protein change: p.Gly334Glu; replaces glycine 334 with glutamic acid.
Molecular consequence: missense variant. On other transcripts: non-coding transcript variant (3), intron variant (2).
Genome position (GRCh38, 1-based): chrX:101,398,098, C>T on the plus strand (G>A on the coding strand, the complement: GLA is on the minus strand). VCF-style: chrX-101398098-C-T. GRCh37 (hg19) VCF-style: chrX-100653086-C-T.
Other names: c.1124G>A, p.Gly375Glu (NM_001406747.1); c.300+2641C>T (NM_001199973.2); c.177+6276C>T (NM_001199974.2); short protein forms G334E, G375E.
Identifiers: ClinVar variation 3073744 (VCV003073744.4), dbSNP rs782690996, ClinGen allele CA029427.